The following is an entry in ClinVar:

ClinVar aggregate classification (germline): Likely benign. Review status: criteria provided, multiple submitters, no conflicts (2 of 4 stars). 5 submissions from 5 submitters: Likely benign (4). 1 of the submissions does not count toward it. Last evaluated 2024-09-06.

Conditions:
Hereditary cancer-predisposing syndrome. Also called: Hereditary neoplastic syndrome; Neoplastic Syndromes, Hereditary; Tumor predisposition; Hereditary Cancer Syndrome. Identifiers: Orphanet 140162, MedGen C0027672, MeSH D009386, MONDO:0015356.
Microcephaly, normal intelligence and immunodeficiency (NBS). Also called: IMMUNODEFICIENCY, MICROCEPHALY, AND CHROMOSOMAL INSTABILITY; SEEMANOVA SYNDROME II; Nijmegen breakage syndrome; Microcephaly with normal intelligence immunodeficiency and lymphoreticular malignancies; Nonsyndromal microcephaly autosomal recessive with normal intelligence; Seemanova syndrome 2. Identifiers: Orphanet 647, MedGen C0398791, MONDO:0009623, OMIM 251260.
Malignant tumor of breast. Also called: Malignant breast neoplasm; Cancer breast. Identifiers: MedGen C0006142, MONDO:0007254. Disease mechanism: loss of function.

Allele frequency attached by ClinVar (database versions not stated): 1000 Genomes Project 30x 0.00047.
gnomAD v4.1: 31 of 1,603,178 alleles (0.0019%); highest among the groups gnomAD compares: South Asian, 0.032%; 1 homozygote.

Submissions (5):

Labcorp Genetics (formerly Invitae), Labcorp
Classification: Likely benign for Microcephaly, normal intelligence and immunodeficiency. Last evaluated: 2024-09-06. Review status: criteria provided, single submitter. Criteria: Invitae Variant Classification Sherloc (09022015). Collection method: clinical testing. Allele origin: germline.

Genetic Services Laboratory, University of Chicago
Classification: Likely benign. Last evaluated: 2021-11-16. Review status: criteria provided, single submitter. Criteria: ACMG Guidelines, 2015. Collection method: clinical testing. Allele origin: germline. Affected: no.

Sema4
Classification: Likely benign for Hereditary cancer-predisposing syndrome. Last evaluated: 2021-07-29. Review status: criteria provided, single submitter. Criteria: Sema4 Curation Guidelines. Collection method: curation. Allele origin: germline.

Ambry Genetics
Classification: Likely benign for Hereditary cancer-predisposing syndrome. Last evaluated: 2016-09-30. Review status: criteria provided, single submitter. Criteria: Ambry Variant Classification Scheme 2023. Collection method: clinical testing. Allele origin: germline.

Department of Pathology and Laboratory Medicine, Sinai Health System
Classification: Likely benign for Malignant tumor of breast. Review status: no assertion criteria provided. Collection method: clinical testing. Allele origin: unknown. Affected: yes. Study: The Canadian Open Genetics Repository (COGR). Not counted in ClinVar's aggregate classification.
Comment: The NBN p.Pro694= variant was not identified in the literature nor was it identified in the Cosmic, LOVD 3.0, or Zhejiang University databases. The variant was identified in dbSNP (ID: rs7823648) as "With Likely benign, other allele" and ClinVar (classified as likely benign by Ambry Genetics and Color Genomics). The variant was identified in control databases in 9 of 246048 chromosomes at a frequency of 0.00004 (Genome Aggregation Database Feb 27, 2017). The variant was observed in the South Asian population in 9 of 30782 chromosomes (freq: 0.0003), while the variant was not observed in the African, Other, Latino, European, Ashkenazi Jewish, East Asian, or Finnish populations. The p.Pro694= variant is not expected to have clinical significance because it does not result in a change of amino acid and is not located in a known consensus splice site. In addition, in silico or computational prediction software programs (SpliceSiteFinder, MaxEntScan, NNSPLICE, GeneSplicer) do not predict a difference in splicing. In summary, based on the above information, the clinical significance of this variant cannot be determined with certainty at this time although we would lean towards a more benign role for this variant. This variant is classified as likely benign.

NM_002485.5(NBN):c.2082T>C (p.Pro694=)

Gene: NBN (nibrin; minus strand). Cytogenetic location: 8q21.3.
Variant type: single nucleotide variant.
Coding change: c.2082T>C on transcript NM_002485.5 (MANE Select); coding-DNA position 2082, T replaced by C.
Protein change: p.Pro694=; no amino-acid change (proline 694 retained).
Molecular consequence: synonymous variant.
Genome position (GRCh38, 1-based): chr8:89,943,355, A>G on the plus strand (T>C on the coding strand, the complement: NBN is on the minus strand). VCF-style: chr8-89943355-A-G. GRCh37 (hg19) VCF-style: chr8-90955583-A-G.
Other names: c.1836T>C, p.Pro612= (NM_001024688.3).
Identifiers: ClinVar variation 480054 (VCV000480054.24), dbSNP rs7823648, ClinGen allele CA4802605.